The following is an entry in ClinVar:

NM_020791.4(TAOK1):c.2978C>T (p.Ser993Phe)

Gene: TAOK1 (TAO kinase 1; plus strand). Cytogenetic location: 17q11.2.
Variant type: single nucleotide variant.
Coding change: c.2978C>T on transcript NM_020791.4 (MANE Select); coding-DNA position 2978, C replaced by T.
Protein change: p.Ser993Phe; replaces serine 993 with phenylalanine.
Molecular consequence: missense variant.
Genome position (GRCh38, 1-based): chr17:29,542,994, C>T. VCF-style: chr17-29542994-C-T. GRCh37 (hg19) VCF-style: chr17-27870012-C-T.
Other names: c.2534C>T, p.Ser845Phe (NM_025142.1); short protein forms S845F, S993F.
Identifiers: ClinVar variation 3900433 (VCV003900433.1).
Genomic context (GRCh38, chr17:29,542,994, plus strand): 5'-CTTCTGGGGGACGGACGGAGCAGGGCATGAGCAGAAGCACGAGTGTCACTTCACAAATAT[C>T]CAATGGGTCACACATGTCTTATACATAACTTAATAATTGAGAGTGGCAATTCCGCTGGAG-3'
Protein context (NP_065842.1, residues 983-1001): SRSTSVTSQI[Ser993Phe]NGSHMSYT

ClinVar aggregate classification (germline): Uncertain significance (1 of 4 stars; one submission).

Submission:

GeneDx
Classification: Uncertain significance. Last evaluated: 2024-11-18. Review status: criteria provided, single submitter. Criteria: GeneDx Variant Classification Process June 2021. Collection method: clinical testing. Allele origin: germline. Affected: yes.
Comment: Not observed at significant frequency in large population cohorts (gnomAD); In silico analysis indicates that this missense variant does not alter protein structure/function; Has not been previously published as pathogenic or benign to our knowledge